The following is an entry in ClinVar:

NM_004655.4(AXIN2):c.416T>C (p.Ile139Thr)

Gene: AXIN2 (axin 2; minus strand). Cytogenetic location: 17q24.1.
Variant type: single nucleotide variant.
Coding change: c.416T>C on transcript NM_004655.4 (MANE Select); coding-DNA position 416, T replaced by C.
Protein change: p.Ile139Thr; replaces isoleucine 139 with threonine.
Molecular consequence: missense variant.
Genome position (GRCh38, 1-based): chr17:65,558,205, A>G on the plus strand (T>C on the coding strand, the complement: AXIN2 is on the minus strand). VCF-style: chr17-65558205-A-G. GRCh37 (hg19) VCF-style: chr17-63554323-A-G.
Other names: c.416T>C, p.Ile139Thr (NM_001363813.1); short protein forms I139T.
Identifiers: ClinVar variation 824645 (VCV000824645.10), dbSNP rs1598119714, ClinGen allele CA400681438.

ClinVar aggregate classification (germline): Uncertain significance. Review status: criteria provided, multiple submitters, no conflicts (2 of 4 stars). 2 submissions from 2 submitters: Uncertain significance (2). Last evaluated 2025-03-21.

Conditions:
Oligodontia-cancer predisposition syndrome. Also called: TOOTH AGENESIS-COLORECTAL CANCER SYNDROME. Identifiers: Orphanet 300576, MedGen C1837750, MONDO:0012075, OMIM 608615. Disease mechanism: loss of function.
Hereditary cancer-predisposing syndrome. Also called: Neoplastic Syndromes, Hereditary; Tumor predisposition; Hereditary neoplastic syndrome; Hereditary Cancer Syndrome. Identifiers: Orphanet 140162, MedGen C0027672, MeSH D009386, MONDO:0015356.

Allele frequency attached by ClinVar (database versions not stated): gnomAD exomes below 0.00001.
gnomAD v4.1: 2 of 1,614,094 alleles (0.00012%); highest among the groups gnomAD compares: Non-Finnish European, 0.000085%; no homozygotes.

Submissions (2):

Ambry Genetics
Classification: Uncertain significance for Hereditary cancer-predisposing syndrome. Last evaluated: 2025-03-21. Review status: criteria provided, single submitter. Criteria: Ambry Variant Classification Scheme 2023. Collection method: clinical testing. Allele origin: germline.
Comment: The p.I139T variant (also known as c.416T>C), located in coding exon 1 of the AXIN2 gene, results from a T to C substitution at nucleotide position 416. The isoleucine at codon 139 is replaced by threonine, an amino acid with similar properties. This amino acid position is highly conserved in available vertebrate species. In addition, the in silico prediction for this alteration is inconclusive. Since supporting evidence is limited at this time, the clinical significance of this alteration remains unclear.

Labcorp Genetics (formerly Invitae), Labcorp
Classification: Uncertain significance for Oligodontia-cancer predisposition syndrome. Last evaluated: 2023-06-09. Review status: criteria provided, single submitter. Criteria: Invitae Variant Classification Sherloc (09022015). Collection method: clinical testing. Allele origin: germline.
Comment: Advanced modeling of protein sequence and biophysical properties (such as structural, functional, and spatial information, amino acid conservation, physicochemical variation, residue mobility, and thermodynamic stability) performed at Invitae indicates that this missense variant is expected to disrupt AXIN2 protein function. In summary, the available evidence is currently insufficient to determine the role of this variant in disease. Therefore, it has been classified as a Variant of Uncertain Significance. ClinVar contains an entry for this variant (Variation ID: 824645). This variant has not been reported in the literature in individuals affected with AXIN2-related conditions. This variant is not present in population databases (gnomAD no frequency). This sequence change replaces isoleucine, which is neutral and non-polar, with threonine, which is neutral and polar, at codon 139 of the AXIN2 protein (p.Ile139Thr).